The following is an entry in ClinVar:

NM_021930.6(RINT1):c.131G>T (p.Ser44Ile)

Gene: RINT1 (RAD50 interactor 1; plus strand). Cytogenetic location: 7q22.3.
Variant type: single nucleotide variant.
Coding change: c.131G>T on transcript NM_021930.6 (MANE Select); coding-DNA position 131, G replaced by T.
Protein change: p.Ser44Ile; replaces serine 44 with isoleucine.
Molecular consequence: missense variant. On other transcripts: 5 prime UTR variant (3), non-coding transcript variant (1).
Genome position (GRCh38, 1-based): chr7:105,536,607, G>T. VCF-style: chr7-105536607-G-T. GRCh37 (hg19) VCF-style: chr7-105177054-G-T.
Other names: c.131G>T (NM_021930.4); c.34G>T, p.Val12Leu (NM_001346599.2); c.-889G>T (NM_001346600.2); c.-792G>T (NM_001346601.2); c.-412G>T (NM_001346603.2); short protein forms S44I, V12L.
Identifiers: ClinVar variation 2197103 (VCV002197103.6), dbSNP rs1189550467, ClinGen allele CA368800097.

ClinVar aggregate classification (germline): Uncertain significance. Review status: criteria provided, multiple submitters, no conflicts (2 of 4 stars). 2 submissions from 2 submitters: Uncertain significance (2). Last evaluated 2023-01-27.

gnomAD v4.1: 2 of 1,606,978 alleles (0.00012%); highest among the groups gnomAD compares: African/African-American, 0.0027%; no homozygotes.

Submissions (2):

Ambry Genetics
Classification: Uncertain significance. Last evaluated: 2023-01-27. Review status: criteria provided, single submitter. Criteria: Ambry Variant Classification Scheme 2023. Collection method: clinical testing. Allele origin: germline.
Comment: The p.S44I variant (also known as c.131G>T), located in coding exon 3 of the RINT1 gene, results from a G to T substitution at nucleotide position 131. The serine at codon 44 is replaced by isoleucine, an amino acid with dissimilar properties. This amino acid position is conserved. In addition, this alteration is predicted to be tolerated by in silico analysis. Since supporting evidence is limited at this time, the clinical significance of this alteration remains unclear.

Labcorp Genetics (formerly Invitae), Labcorp
Classification: Uncertain significance. Last evaluated: 2022-04-27. Review status: criteria provided, single submitter. Criteria: Invitae Variant Classification Sherloc (09022015). Collection method: clinical testing. Allele origin: germline.
Comment: Algorithms developed to predict the effect of missense changes on protein structure and function output the following: SIFT: "Tolerated"; PolyPhen-2: "Benign"; Align-GVGD: "Class C0". The isoleucine amino acid residue is found in multiple mammalian species, which suggests that this missense change does not adversely affect protein function. In summary, the available evidence is currently insufficient to determine the role of this variant in disease. Therefore, it has been classified as a Variant of Uncertain Significance. This variant has not been reported in the literature in individuals affected with RINT1-related conditions. This sequence change replaces serine, which is neutral and polar, with isoleucine, which is neutral and non-polar, at codon 44 of the RINT1 protein (p.Ser44Ile). This variant is present in population databases (no rsID available, gnomAD 0.01%).